The following is an entry in ClinVar:

NM_001127511.3(APC):c.-126_-125insGA

Gene: APC (APC regulator of Wnt signaling pathway; plus strand). Cytogenetic location: 5q22.2.
Variant type: Insertion.
Coding change: c.-126_-125insGA on transcript NM_001127511.3; 126 bases upstream of the start codon through 125 bases upstream of the start codon, GA inserted.
Molecular consequence: 5 prime UTR variant. On other transcripts: non-coding transcript variant (2).
Genome position: GRCh38 VCF-style: chr5-112707592-G-GGA. GRCh37 (hg19) VCF-style: chr5-112043289-G-GGA.
Other names: c.-309_-308insGA (NM_001354895.2, NM_001407447.1, NM_001407452.1 and 3 more transcripts); c.-126_-125insGA (NM_001354897.2, NM_001354902.2, NM_001407446.1); c.-76_-75insGA (NM_001407448.1, NM_001407450.1, NM_001407457.1 and 1 more transcripts); c.-100_-99insGA (NM_001407453.1); c.-1344_-1343insGA (NM_001407470.1, NM_001407472.1).
Identifiers: ClinVar variation 1316326 (VCV001316326.8), dbSNP rs1750584693, ClinGen allele CA1573442504.

ClinVar aggregate classification (germline): Conflicting classifications of pathogenicity. Review status: criteria provided, conflicting classifications (1 of 4 stars). 2 submissions from 2 submitters: Uncertain significance (1); Likely benign (1). Last evaluated 2025-06-11.

Conditions:
Familial adenomatous polyposis 1 (FAP1). Also called: FAMILIAL ADENOMATOUS POLYPOSIS 1, ATTENUATED; POLYPOSIS, ADENOMATOUS INTESTINAL. Identifiers: MedGen C2713442, MONDO:0021056, OMIM 175100. Disease mechanism: loss of function.

Allele frequency attached by ClinVar (database versions not stated): TOPMed below 0.00001.

Submissions (2):

Labcorp Genetics (formerly Invitae), Labcorp
Classification: Uncertain significance for Familial adenomatous polyposis 1. Last evaluated: 2025-06-11. Review status: criteria provided, single submitter. Criteria: Invitae Variant Classification Sherloc (09022015). Collection method: clinical testing. Allele origin: germline.
Comment: This variant occurs in a non-coding region of the APC gene. It does not change the encoded amino acid sequence of the APC protein. This variant is not present in population databases (gnomAD no frequency). This variant has not been reported in the literature in individuals affected with APC-related conditions. Experimental studies and prediction algorithms are not available or were not evaluated, and the functional significance of this variant is currently unknown. In summary, the available evidence is currently insufficient to determine the role of this variant in disease. Therefore, it has been classified as a Variant of Uncertain Significance.

GeneDx
Classification: Likely benign. Last evaluated: 2021-02-05. Review status: criteria provided, single submitter. Criteria: GeneDx Variant Classification Process June 2021. Collection method: clinical testing. Allele origin: germline. Affected: yes.
Comment: Nucleotide substitution has no predicted effect on splicing and is not conserved across species; Has not been previously published as pathogenic or benign to our knowledge; No data available from control populations to assess the frequency of this variant